The following is an entry in ClinVar:

ClinVar aggregate classification (germline): Uncertain significance (1 of 4 stars; one submission).

Allele frequency attached by ClinVar (database versions not stated): gnomAD exomes below 0.00001; TOPMed below 0.00001.
gnomAD v4.1: 4 of 1,604,948 alleles (0.00025%); highest among the groups gnomAD compares: Non-Finnish European, 0.00034%; no homozygotes.

Submission:

Labcorp Genetics (formerly Invitae), Labcorp
Classification: Uncertain significance. Last evaluated: 2021-12-03. Review status: criteria provided, single submitter. Criteria: Invitae Variant Classification Sherloc (09022015). Collection method: clinical testing. Allele origin: germline.
Comment: This sequence change creates a premature translational stop signal (p.Arg137*) in the CRAT gene. It is expected to result in an absent or disrupted protein product. However, the current clinical and genetic evidence is not sufficient to establish whether loss-of-function variants in CRAT cause disease. The frequency data for this variant in the population databases is considered unreliable, as metrics indicate poor data quality at this position in the gnomAD database. This variant has not been reported in the literature in individuals affected with CRAT-related conditions. In summary, the available evidence is currently insufficient to determine the role of this variant in disease. Therefore, it has been classified as a Variant of Uncertain Significance.

NM_000755.5(CRAT):c.409C>T (p.Arg137Ter)

Gene: CRAT (carnitine O-acetyltransferase; minus strand). Cytogenetic location: 9q34.11.
Variant type: single nucleotide variant.
Coding change: c.409C>T on transcript NM_000755.5 (MANE Select); coding-DNA position 409, C replaced by T.
Protein change: p.Arg137Ter; replaces arginine 137 with a stop codon.
Molecular consequence: nonsense.
Genome position (GRCh38, 1-based): chr9:129,104,189, G>A on the plus strand (C>T on the coding strand, the complement: CRAT is on the minus strand). VCF-style: chr9-129104189-G-A. GRCh37 (hg19) VCF-style: chr9-131866468-G-A.
Other names: c.346C>T, p.Arg116Ter (NM_001257363.3, NM_001346548.2, NM_004003.4); c.412C>T, p.Arg138Ter (NM_001346546.2); c.409C>T, p.Arg137Ter (NM_001346547.2); c.289C>T, p.Arg97Ter (NM_001346549.2); short protein forms R137*, R138*, R97*, R116*.
Identifiers: ClinVar variation 1493103 (VCV001493103.6), dbSNP rs1346544210, ClinGen allele CA375101455.
Genomic context (GRCh38, chr9:129,104,189, plus strand): 5'-GGGCGAAGTGAACTCGAGGGGCCCGGCTGCCTCCTGGCCCCCAAACCCCAGCCACTCACC[G>A]GAGCTGACCCTGCAGGTCCACGAAGTCCTGCTTGGGTAGCATCACGCCTGGGCTCGAGTA-3'